The following is an entry in ClinVar:

NM_005859.5(PURA):c.163C>T (p.Gln55Ter)

Gene: PURA (purine rich element binding protein A; plus strand). Cytogenetic location: 5q31.3.
Variant type: single nucleotide variant.
Coding change: c.163C>T on transcript NM_005859.5 (MANE Select); coding-DNA position 163, C replaced by T.
Protein change: p.Gln55Ter; replaces glutamine 55 with a stop codon.
Molecular consequence: nonsense.
Genome position (GRCh38, 1-based): chr5:140,114,344, C>T. VCF-style: chr5-140114344-C-T. GRCh37 (hg19) VCF-style: chr5-139493929-C-T.
Other names: short protein forms Q55*.
Identifiers: ClinVar variation 426145 (VCV000426145.11), dbSNP rs1085307472, ClinGen allele CA361489711.

ClinVar aggregate classification (germline): Pathogenic. Review status: criteria provided, multiple submitters, no conflicts (2 of 4 stars). 3 submissions from 3 submitters: Pathogenic (3). Last evaluated 2024-10-16.

Conditions:
PURA-related severe neonatal hypotonia-seizures-encephalopathy syndrome (NEDRIHF). Also called: NEURODEVELOPMENTAL DISORDER WITH NEONATAL RESPIRATORY INSUFFICIENCY, HYPOTONIA, AND FEEDING DIFFICULTIES; PURA-Related Neurodevelopmental Disorders. Identifiers: Orphanet 438213, Orphanet 438216, MedGen C4015357, MONDO:1060108, OMIM 616158, MONDO:0018580.
Inborn genetic diseases. Identifiers: MedGen C0950123, MeSH D030342.

Submissions (3):

Labcorp Genetics (formerly Invitae), Labcorp
Classification: Pathogenic for PURA-related severe neonatal hypotonia-seizures-encephalopathy syndrome. Last evaluated: 2024-10-16. Review status: criteria provided, single submitter. Criteria: Invitae Variant Classification Sherloc (09022015). Collection method: clinical testing. Allele origin: germline.
Comment: This sequence change creates a premature translational stop signal (p.Gln55*) in the PURA gene. While this is not anticipated to result in nonsense mediated decay, it is expected to disrupt the last 268 amino acid(s) of the PURA protein. This variant is not present in population databases (gnomAD no frequency). This variant has not been reported in the literature in individuals affected with PURA-related conditions. ClinVar contains an entry for this variant (Variation ID: 426145). This variant disrupts a region of the PURA protein in which other variant(s) (p.Tyr261*, p.Gln186*) have been determined to be pathogenic (PMID: 25439098). This suggests that this is a clinically significant region of the protein, and that variants that disrupt it are likely to be disease-causing. For these reasons, this variant has been classified as Pathogenic.

Ambry Genetics
Classification: Pathogenic for Inborn genetic diseases. Last evaluated: 2024-03-21. Review status: criteria provided, single submitter. Criteria: Ambry Variant Classification Scheme 2023. Collection method: clinical testing. Allele origin: germline.
Comment: The c.163C>T (p.Q55*) alteration, located in exon 1 (coding exon 1) of the PURA gene, consists of a C to T substitution at nucleotide position 163. This changes the amino acid from a glutamine (Q) to a stop codon at amino acid position 55. Premature stop codons are typically deleterious in nature; however, because PURA is a single-exon gene this alteration is not expected to trigger nonsense-mediated mRNA decay and a truncated protein could still be expressed (Maquat, 2004). This alteration removes the last 83.2% amino acids of the protein. The exact functional impact of these amino acids is unknown at this time; however, a significant portion of the protein is affected (Ambry internal data). This variant was not reported in population-based cohorts in the Genome Aggregation Database (gnomAD). Based on the available evidence, this alteration is classified as pathogenic.

GeneDx
Classification: Pathogenic. Last evaluated: 2017-05-01. Review status: criteria provided, single submitter. Criteria: GeneDx Variant Classification (06012015). Collection method: clinical testing. Allele origin: germline. Affected: yes.
Comment: The Q55X variant in the PURA gene has not been reported previously as a pathogenic variant nor as a benign variant, to our knowledge. This variant is predicted to cause loss of normal protein function through protein truncation. The Q55X variant is not observed in large population cohorts (Lek et al., 2016; 1000 Genomes Consortium et al., 2015; Exome Variant Server). We interpret Q55X as a pathogenic variant.

Literature cited by the submitters: PubMed 25439098 (cited by Labcorp Genetics (formerly Invitae), Labcorp).